The following is an entry in ClinVar:

ClinVar aggregate classification (germline): Likely benign (0 of 4 stars; one submission).

Conditions:
PCNT-related disorder. Also called: PCNT-related condition.

gnomAD v4.1: 30 of 1,613,852 alleles (0.0019%); highest among the groups gnomAD compares: Admixed American, 0.005%; no homozygotes.

Submission:

PreventionGenetics, part of Exact Sciences
Classification: Likely benign for PCNT-related condition. Last evaluated: 2022-04-29. Review status: no assertion criteria provided. Collection method: clinical testing. Allele origin: germline.
Comment: This variant is classified as likely benign based on ACMG/AMP sequence variant interpretation guidelines (Richards et al. 2015 PMID: 25741868, with internal and published modifications).

NM_006031.6(PCNT):c.7695A>G (p.Glu2565=)

Gene: PCNT (pericentrin; plus strand). Cytogenetic location: 21q22.3.
Variant type: single nucleotide variant.
Coding change: c.7695A>G on transcript NM_006031.6 (MANE Select); coding-DNA position 7695, A replaced by G.
Protein change: p.Glu2565=; no amino-acid change (glutamic acid 2565 retained).
Molecular consequence: synonymous variant.
Genome position (GRCh38, 1-based): chr21:46,430,014, A>G. VCF-style: chr21-46430014-A-G. GRCh37 (hg19) VCF-style: chr21-47849928-A-G.
Other names: c.7341A>G, p.Glu2447= (NM_001315529.2).
Identifiers: ClinVar variation 3355599 (VCV003355599.1).